The following is an entry in ClinVar:

NM_000430.4(PAFAH1B1):c.117+1G>C

Gene: PAFAH1B1 (platelet activating factor acetylhydrolase 1b regulatory subunit 1; plus strand). Cytogenetic location: 17p13.3.
Variant type: single nucleotide variant.
Coding change: c.117+1G>C on transcript NM_000430.4 (MANE Select); the canonical splice donor site of the intron after coding-DNA position 117, G replaced by C.
Molecular consequence: splice donor variant.
Genome position (GRCh38, 1-based): chr17:2,665,457, G>C. VCF-style: chr17-2665457-G-C. GRCh37 (hg19) VCF-style: chr17-2568751-G-C.
Identifiers: ClinVar variation 1214157 (VCV001214157.3), dbSNP rs2151659413, ClinGen allele CA397638214.

ClinVar aggregate classification (germline): Pathogenic (1 of 4 stars; one submission).

Submission:

GeneDx
Classification: Pathogenic. Last evaluated: 2020-11-13. Review status: criteria provided, single submitter. Criteria: GeneDx Variant Classification Process June 2021. Collection method: clinical testing. Allele origin: germline. Affected: yes.
Comment: Canonical splice site variant predicted to result in a null allele in a gene for which loss-of-function is a known mechanism of disease; Not observed in large population cohorts (Lek et al., 2016); Has not been previously published as pathogenic or benign to our knowledge